The following is an entry in ClinVar:

NM_020971.3(SPTBN4):c.912A>G (p.Val304=)

Gene: SPTBN4 (spectrin beta, non-erythrocytic 4; plus strand). Cytogenetic location: 19q13.2.
Variant type: single nucleotide variant.
Coding change: c.912A>G on transcript NM_020971.3 (MANE Select); coding-DNA position 912, A replaced by G.
Protein change: p.Val304=; no amino-acid change (valine 304 retained).
Molecular consequence: synonymous variant.
Genome position (GRCh38, 1-based): chr19:40,502,142, A>G. VCF-style: chr19-40502142-A-G. GRCh37 (hg19) VCF-style: chr19-41008049-A-G.
Identifiers: ClinVar variation 1281527 (VCV001281527.7), dbSNP rs814526, ClinGen allele CA9445476.

ClinVar aggregate classification (germline): Benign. Review status: criteria provided, multiple submitters, no conflicts (2 of 4 stars). 5 submissions from 5 submitters: Benign (4). 1 of the submissions does not count toward it. Last evaluated 2024-11-28.

Conditions:
Neurodevelopmental disorder with hypotonia, neuropathy, and deafness (NEDHND). Also called: Myopathy, congenital, with neuropathy and deafness; SPTBN4 Disorder. Identifiers: MedGen C4479603, MONDO:0060496, OMIM 617519.
SPTBN4-related disorder. Also called: SPTBN4-related condition.

Allele frequency attached by ClinVar (database versions not stated): 1000 Genomes Project 0.37760; 1000 Genomes Project 30x 0.38648; TOPMed 0.42444; ESP Exome Variant Server 0.44872.
gnomAD v4.1: 594,017 of 1,613,232 alleles (37%); highest among the groups gnomAD compares: African/African-American, 61%; 113,859 homozygotes.

Submissions (5):

Blueprint Genetics
Classification: Benign. Last evaluated: 2024-11-28. Review status: criteria provided, single submitter. Criteria: ACMG Guidelines, 2015. Collection method: clinical testing. Allele origin: germline.

Genome-Nilou Lab
Classification: Benign for Neurodevelopmental disorder with hypotonia, neuropathy, and deafness. Last evaluated: 2021-07-15. Review status: criteria provided, single submitter. Criteria: ACMG Guidelines, 2015. Collection method: clinical testing. Allele origin: germline. Affected: no.

GeneDx
Classification: Benign. Last evaluated: 2021-05-04. Review status: criteria provided, single submitter. Criteria: GeneDx Variant Classification Process June 2021. Collection method: clinical testing. Allele origin: germline. Affected: yes.

Breakthrough Genomics
Classification: Benign. Review status: criteria provided, single submitter. Criteria: ACMG Guidelines, 2015. Collection method: not provided. Allele origin: germline. Inheritance: Autosomal recessive inheritance. Affected: yes.

PreventionGenetics, part of Exact Sciences
Classification: Benign for SPTBN4-related condition. Last evaluated: 2019-10-17. Review status: no assertion criteria provided. Collection method: clinical testing. Allele origin: germline. Not counted in ClinVar's aggregate classification.
Comment: This variant is classified as benign based on ACMG/AMP sequence variant interpretation guidelines (Richards et al. 2015 PMID: 25741868, with internal and published modifications).